The following is an entry in ClinVar:

NM_001367823.1(ARHGEF18):c.968-231C>T

Gene: ARHGEF18 (Rho/Rac guanine nucleotide exchange factor 18; plus strand). Cytogenetic location: 19p13.2.
Variant type: single nucleotide variant.
Coding change: c.968-231C>T on transcript NM_001367823.1 (MANE Select); 231 bases into the intron before coding-DNA position 968, C replaced by T.
Molecular consequence: intron variant. On other transcripts: missense variant (1).
Genome position (GRCh38, 1-based): chr19:7,440,113, C>T. VCF-style: chr19-7440113-C-T. GRCh37 (hg19) VCF-style: chr19-7504999-C-T.
Other names: c.11C>T, p.Ala4Val (NM_001130955.2); c.-226-76C>T (NM_001367824.1); c.-71-231C>T (NM_015318.4); short protein forms A4V.
Identifiers: ClinVar variation 1901329 (VCV001901329.4), dbSNP rs546993799, ClinGen allele CA304877469.

ClinVar aggregate classification (germline): Uncertain significance (1 of 4 stars; one submission).

Allele frequency attached by ClinVar (database versions not stated): gnomAD 0.00001; 1000 Genomes Project 30x 0.00016; 1000 Genomes Project 0.00040.
gnomAD v4.1: 14 of 1,551,010 alleles (0.0009%); highest among the groups gnomAD compares: Middle Eastern, 0.033%; no homozygotes.

Submission:

Labcorp Genetics (formerly Invitae), Labcorp
Classification: Uncertain significance. Last evaluated: 2024-02-17. Review status: criteria provided, single submitter. Criteria: Invitae Variant Classification Sherloc (09022015). Collection method: clinical testing. Allele origin: germline.
Comment: This sequence change replaces alanine, which is neutral and non-polar, with valine, which is neutral and non-polar, at codon 58 of the ARHGEF18 protein (p.Ala58Val). This variant is present in population databases (rs546993799, gnomAD 0.004%). This variant has not been reported in the literature in individuals affected with ARHGEF18-related conditions. ClinVar contains an entry for this variant (Variation ID: 1901329). Algorithms developed to predict the effect of missense changes on protein structure and function output the following: SIFT: "Not Available"; PolyPhen-2: "Benign"; Align-GVGD: "Not Available". The valine amino acid residue is found in multiple mammalian species, which suggests that this missense change does not adversely affect protein function. In summary, the available evidence is currently insufficient to determine the role of this variant in disease. Therefore, it has been classified as a Variant of Uncertain Significance.